The following is an entry in ClinVar:

NC_000007.13:g.(?_6036947)_(6043699_?)dup

Gene: PMS2 (PMS1 homolog 2, mismatch repair system component; minus strand). Cytogenetic location: 7p22.1.
Variant type: Duplication.
Identifiers: ClinVar variation 3245659 (VCV003245659.1).

ClinVar aggregate classification (germline): Likely pathogenic (1 of 4 stars; one submission).

Conditions:
Hereditary nonpolyposis colorectal neoplasms. Identifiers: MedGen C0009405, MeSH D003123.

Submission:

Labcorp Genetics (formerly Invitae), Labcorp
Classification: Likely pathogenic for Hereditary nonpolyposis colorectal neoplasms. Last evaluated: 2023-04-15. Review status: criteria provided, single submitter. Criteria: Invitae Variant Classification Sherloc (09022015). Collection method: clinical testing. Allele origin: unknown.
Comment: In summary, the currently available evidence indicates that the variant is pathogenic, but additional data are needed to prove that conclusively. Therefore, this variant has been classified as Likely Pathogenic. This variant has not been reported in the literature in individuals affected with PMS2-related conditions. This variant results in a copy number gain of the genomic region encompassing exon(s) 3-7 of the PMS2 gene. While the exact position of this variant cannot be determined from the data, sub-genic copy number gains are generally in tandem (PMID: 25640679). This variant is predicted to be out-of-frame, and may result in an absent or disrupted protein product. Loss-of-function variants in PMS2 are known to be pathogenic (PMID: 21376568, 24362816).

Literature cited by the submitters: PubMed 25640679; PubMed 21376568; PubMed 24362816.